The following is an entry in ClinVar:

ClinVar aggregate classification (germline): Uncertain significance (1 of 4 stars; one submission).

Submission:

Labcorp Genetics (formerly Invitae), Labcorp
Classification: Uncertain significance. Last evaluated: 2023-10-29. Review status: criteria provided, single submitter. Criteria: Invitae Variant Classification Sherloc (09022015). Collection method: clinical testing. Allele origin: germline.
Comment: This variant, c.2916_2921dup, results in the insertion of 2 amino acid(s) of the TAOK2 protein (p.Leu973_Leu974dup), but otherwise preserves the integrity of the reading frame. This variant is not present in population databases (gnomAD no frequency). This variant has not been reported in the literature in individuals affected with TAOK2-related conditions. In summary, the available evidence is currently insufficient to determine the role of this variant in disease. Therefore, it has been classified as a Variant of Uncertain Significance.

NM_016151.4(TAOK2):c.2907GCT[7] (p.Leu973_Leu974dup)

Gene: TAOK2 (TAO kinase 2; plus strand). Cytogenetic location: 16p11.2.
Variant type: Microsatellite.
Coding change: c.2907GCT[7] on transcript NM_016151.4 (MANE Select); seven copies in a row of the 3-base unit GCT starting at c.2907; the reference has five copies in a row; two copies, 6 bases duplicated.
Protein change: p.Leu973_Leu974dup.
Molecular consequence: inframe insertion. On other transcripts: intron variant (1).
Genome position (GRCh38, 1-based): chr16:29,987,188-29,987,193, GCTGCT duplicated; duplicating any 6 consecutive bases within chr16:29,987,177-29,987,193 gives the same sequence; the position shown is the placement nearest the transcript's 3' end. VCF-style (leftmost placement, unchanged base first): chr16-29987176-C-CCTGCTG. GRCh37 (hg19) VCF-style: chr16-29998497-C-CCTGCTG.
Other names: c.2568GCT[7], p.Leu860_Leu861dup (NM_001252043.2); c.2232+673CTG[7] (NM_004783.4).
Identifiers: ClinVar variation 1494078 (VCV001494078.8), dbSNP rs751062812, ClinGen allele CA7998468.